The following is an entry in ClinVar:

ClinVar aggregate classification (germline): Likely pathogenic (1 of 4 stars; one submission).

Allele frequency attached by ClinVar (database versions not stated): gnomAD exomes 0.00002; TOPMed 0.00002; gnomAD 0.00003.
gnomAD v4.1: 27 of 1,589,356 alleles (0.0017%); highest among the groups gnomAD compares: African/African-American, 0.0027%; no homozygotes.

Submission:

GeneDx
Classification: Likely pathogenic. Last evaluated: 2022-09-07. Review status: criteria provided, single submitter. Criteria: GeneDx Variant Classification Process June 2021. Collection method: clinical testing. Allele origin: germline. Affected: yes.
Comment: Canonical splice site variant predicted to result in a null allele in a gene for which loss of function is a known mechanism of disease; Not observed at significant frequency in large population cohorts (gnomAD); Has not been previously published as pathogenic or benign to our knowledge

NM_020401.4(NUP107):c.2101+1G>T

Gene: NUP107 (nucleoporin 107; plus strand). Cytogenetic location: 12q15.
Variant type: single nucleotide variant.
Coding change: c.2101+1G>T on transcript NM_020401.4 (MANE Select); the canonical splice donor site of the intron after coding-DNA position 2101, G replaced by T.
Molecular consequence: splice donor variant.
Genome position (GRCh38, 1-based): chr12:68,732,740, G>T. VCF-style: chr12-68732740-G-T. GRCh37 (hg19) VCF-style: chr12-69126520-G-T.
Other names: c.2014+1G>T (NM_001330192.2).
Identifiers: ClinVar variation 1704953 (VCV001704953.2), dbSNP rs942432213, ClinGen allele CA238446243.